The following is an entry in ClinVar:

NM_000388.4(CASR):c.1734dup (p.Ala579fs)

Gene: CASR (calcium sensing receptor; plus strand). Cytogenetic location: 3q21.1.
Variant type: Duplication.
Coding change: c.1734dup on transcript NM_000388.4 (MANE Select); coding-DNA position 1734, one base duplicated (T; older notation c.1734dupT).
Protein change: p.Ala579fs; shifts the reading frame from alanine 579.
Molecular consequence: frameshift variant.
Genome position (GRCh38, 1-based): chr3:122,283,688, T duplicated. VCF-style (leftmost placement, unchanged base first): chr3-122283687-A-AT. GRCh37 (hg19) VCF-style: chr3-122002534-A-AT.
Other names: c.1764dup, p.Ala589fs (NM_001178065.2); short protein forms A579fs, A589fs.
Identifiers: ClinVar variation 3753227 (VCV003753227.2).
Genomic context (GRCh38, chr3:122,283,687, plus strand): 5'-CACTCACACATTTTAGTCTGTGCCACACAATAACTCACTCTTCACTGGGACATTTTACAG[A>AT]TGCCAGTGCCTGTAACAAGTGCCCAGATGACTTCTGGTCCAATGAGAACCACACCTCCTG-3'

ClinVar aggregate classification (germline): Pathogenic (1 of 4 stars; one submission).

Conditions:
Autosomal dominant hypocalcemia 1 (HYPOC1). Also called: HYPOCALCEMIA, FAMILIAL. Identifiers: MedGen C3715128, MONDO:0011013, OMIM 601198.
Familial hypocalciuric hypercalcemia (FHH). Also called: Familial benign hypercalcemia. Identifiers: Orphanet 405, MedGen C1809471, MONDO:0018458.

Submission:

Labcorp Genetics (formerly Invitae), Labcorp
Classification: Pathogenic for Familial hypocalciuric hypercalcemia; Autosomal dominant hypocalcemia 1. Last evaluated: 2024-07-19. Review status: criteria provided, single submitter. Criteria: Invitae Variant Classification Sherloc (09022015). Collection method: clinical testing. Allele origin: germline.
Comment: This sequence change creates a premature translational stop signal (p.Ala579Cysfs*5) in the CASR gene. While this is not anticipated to result in nonsense mediated decay, it is expected to disrupt the last 500 amino acid(s) of the CASR protein. This variant is not present in population databases (gnomAD no frequency). This variant has not been reported in the literature in individuals affected with CASR-related conditions. This variant disrupts a region of the CASR protein in which other variant(s) (p.Arg886Trp) have been determined to be pathogenic (PMID: 17698911). This suggests that this is a clinically significant region of the protein, and that variants that disrupt it are likely to be disease-causing. For these reasons, this variant has been classified as Pathogenic.

Literature cited by the submitters: PubMed 17698911.